The following is an entry in ClinVar:

NM_199420.4(POLQ):c.3197A>T (p.His1066Leu)

Gene: POLQ (DNA polymerase theta; minus strand). Cytogenetic location: 3q13.33.
Variant type: single nucleotide variant.
Coding change: c.3197A>T on transcript NM_199420.4 (MANE Select); coding-DNA position 3197, A replaced by T.
Protein change: p.His1066Leu; replaces histidine 1066 with leucine.
Molecular consequence: missense variant.
Genome position (GRCh38, 1-based): chr3:121,489,734, T>A on the plus strand (A>T on the coding strand, the complement: POLQ is on the minus strand). VCF-style: chr3-121489734-T-A. GRCh37 (hg19) VCF-style: chr3-121208581-T-A.
Other names: short protein forms H1066L.
Identifiers: ClinVar variation 1728722 (VCV001728722.2), dbSNP rs2546787691, ClinGen allele CA354101335.
Genomic context (GRCh38, chr3:121,489,734, plus strand): 5'-TCATCTAAGGTAAACGGGTCTTCACAAAGACTAGGATTAGACAGAGTCTGTCCTTGTAAA[T>A]GGATTCTACACGCTCCAGAGTCTTTCAGGGGGCTGCTGTCCCTAGATCGCTTTAGATGCT-3'
Protein context (NP_955452.3, residues 1056-1076): PLKDSGACRI[His1066Leu]LQGQTLSNPS

ClinVar aggregate classification (germline): Uncertain significance (1 of 4 stars; one submission).

Submission:

Ambry Genetics
Classification: Uncertain significance. Last evaluated: 2022-01-31. Review status: criteria provided, single submitter. Criteria: Ambry Variant Classification Scheme 2023. Collection method: clinical testing. Allele origin: germline.
Comment: The p.H1066L variant (also known as c.3197A>T), located in coding exon 16 of the POLQ gene, results from an A to T substitution at nucleotide position 3197. The histidine at codon 1066 is replaced by leucine, an amino acid with similar properties. This amino acid position is conserved. In addition, this alteration is predicted to be tolerated by in silico analysis. Since supporting evidence is limited at this time, the clinical significance of this alteration remains unclear.